The following is an entry in ClinVar:

NM_001177316.2(SLC34A3):c.1120G>A (p.Gly374Ser)

Gene: SLC34A3 (solute carrier family 34 member 3; plus strand). Cytogenetic location: 9q34.3.
Variant type: single nucleotide variant.
Coding change: c.1120G>A on transcript NM_001177316.2 (MANE Select); coding-DNA position 1120, G replaced by A.
Protein change: p.Gly374Ser; replaces glycine 374 with serine.
Molecular consequence: missense variant.
Genome position (GRCh38, 1-based): chr9:137,234,442, G>A. VCF-style: chr9-137234442-G-A. GRCh37 (hg19) VCF-style: chr9-140128894-G-A.
Other names: c.1120G>A, p.Gly374Ser (NM_001177317.2, NM_080877.3); c.1120G>A (NM_080877.2); short protein forms G374S.
Identifiers: ClinVar variation 2142944 (VCV002142944.6), dbSNP rs762784419, ClinGen allele CA5364804.

ClinVar aggregate classification (germline): Conflicting classifications of pathogenicity. Review status: criteria provided, conflicting classifications (1 of 4 stars). 3 submissions from 3 submitters: Uncertain significance (2); Likely benign (1). Last evaluated 2024-04-22.

Conditions:
Inborn genetic diseases. Identifiers: MedGen C0950123, MeSH D030342.
Autosomal recessive hypophosphatemic bone disease (HHRH). Also called: HYPERCALCIURIC RICKETS; Hypophosphatemic rickets with hypercalciuria. Identifiers: Orphanet 157215, MedGen C1853271, MONDO:0009431, OMIM 241530.

Allele frequency attached by ClinVar (database versions not stated): ExAC 0.00001.

Submissions (3):

Fulgent Genetics
Classification: Uncertain significance for Autosomal recessive hypophosphatemic bone disease. Last evaluated: 2024-04-22. Review status: criteria provided, single submitter. Criteria: ACMG Guidelines, 2015. Collection method: clinical testing. Allele origin: germline.

Labcorp Genetics (formerly Invitae), Labcorp
Classification: Uncertain significance. Last evaluated: 2024-02-24. Review status: criteria provided, single submitter. Criteria: Invitae Variant Classification Sherloc (09022015). Collection method: clinical testing. Allele origin: germline.
Comment: This sequence change replaces glycine, which is neutral and non-polar, with serine, which is neutral and polar, at codon 374 of the SLC34A3 protein (p.Gly374Ser). This variant is present in population databases (rs762784419, gnomAD 0.01%). This variant has not been reported in the literature in individuals affected with SLC34A3-related conditions. ClinVar contains an entry for this variant (Variation ID: 2142944). Advanced modeling of protein sequence and biophysical properties (such as structural, functional, and spatial information, amino acid conservation, physicochemical variation, residue mobility, and thermodynamic stability) performed at Invitae indicates that this missense variant is not expected to disrupt SLC34A3 protein function with a negative predictive value of 80%. In summary, the available evidence is currently insufficient to determine the role of this variant in disease. Therefore, it has been classified as a Variant of Uncertain Significance.

Ambry Genetics
Classification: Likely benign for Inborn genetic diseases. Last evaluated: 2023-04-04. Review status: criteria provided, single submitter. Criteria: Ambry Variant Classification Scheme 2023. Collection method: clinical testing. Allele origin: germline.